The following is an entry in ClinVar:

ClinVar aggregate classification (germline): Uncertain significance. Review status: criteria provided, multiple submitters, no conflicts (2 of 4 stars). 2 submissions from 2 submitters: Uncertain significance (2). Last evaluated 2023-10-13.

Conditions:
Inborn genetic diseases. Identifiers: MedGen C0950123, MeSH D030342.
Gnathodiaphyseal dysplasia (GDD). Also called: GNATHODIAPHYSEAL SCLEROSIS; OSTEOGENESIS IMPERFECTA WITH UNUSUAL SKELETAL LESIONS. Identifiers: Orphanet 53697, MedGen C1833736, MONDO:0008151, OMIM 166260.
Autosomal recessive limb-girdle muscular dystrophy type 2L (LGMDR12). Also called: MUSCULAR DYSTROPHY, LIMB-GIRDLE, AUTOSOMAL RECESSIVE 12; Limb-Girdle Muscular Dystrophy R12 Anoctamin-5-Related (LGMD-R12); Limb-girdle muscular dystrophy, type 2L. Identifiers: Orphanet 206549, MedGen C1969785, MONDO:0012652, OMIM 611307.

Allele frequency attached by ClinVar (database versions not stated): gnomAD exomes below 0.00001.
gnomAD v4.1: 2 of 1,613,032 alleles (0.00012%); no homozygotes.

Submissions (2):

Labcorp Genetics (formerly Invitae), Labcorp
Classification: Uncertain significance for Autosomal recessive limb-girdle muscular dystrophy type 2L; Gnathodiaphyseal dysplasia. Last evaluated: 2023-10-13. Review status: criteria provided, single submitter. Criteria: Invitae Variant Classification Sherloc (09022015). Collection method: clinical testing. Allele origin: germline.
Comment: This sequence change replaces arginine, which is basic and polar, with isoleucine, which is neutral and non-polar, at codon 867 of the ANO5 protein (p.Arg867Ile). This variant is present in population databases (no rsID available, gnomAD 0.003%). This variant has not been reported in the literature in individuals affected with ANO5-related conditions. ClinVar contains an entry for this variant (Variation ID: 859806). Advanced modeling of protein sequence and biophysical properties (such as structural, functional, and spatial information, amino acid conservation, physicochemical variation, residue mobility, and thermodynamic stability) performed at Invitae indicates that this missense variant is expected to disrupt ANO5 protein function. In summary, the available evidence is currently insufficient to determine the role of this variant in disease. Therefore, it has been classified as a Variant of Uncertain Significance.

Ambry Genetics
Classification: Uncertain significance for Inborn genetic diseases. Last evaluated: 2023-04-18. Review status: criteria provided, single submitter. Criteria: Ambry Variant Classification Scheme 2023. Collection method: clinical testing. Allele origin: germline.

NM_213599.3(ANO5):c.2600G>T (p.Arg867Ile)

Gene: ANO5 (anoctamin 5; plus strand). Cytogenetic location: 11p14.3.
Variant type: single nucleotide variant.
Coding change: c.2600G>T on transcript NM_213599.3 (MANE Select); coding-DNA position 2600, G replaced by T.
Protein change: p.Arg867Ile; replaces arginine 867 with isoleucine.
Molecular consequence: missense variant.
Genome position (GRCh38, 1-based): chr11:22,279,623, G>T. VCF-style: chr11-22279623-G-T. GRCh37 (hg19) VCF-style: chr11-22301169-G-T.
Other names: c.2597G>T, p.Arg866Ile (NM_001142649.2); short protein forms R866I, R867I.
Identifiers: ClinVar variation 859806 (VCV000859806.6), dbSNP rs1223713660, ClinGen allele CA379925017.